The following is an entry in ClinVar:

ClinVar aggregate classification (germline): Uncertain significance. Review status: criteria provided, multiple submitters, no conflicts (2 of 4 stars). 2 submissions from 2 submitters: Uncertain significance (2). Last evaluated 2024-10-08.

Conditions:
Inborn genetic diseases. Identifiers: MedGen C0950123, MeSH D030342.
MEGF10-related myopathy (CMYO10A). Also called: Congenital myopathy 10A, severe variant. Identifiers: Orphanet 439212, MedGen C3280679, MONDO:0013731, OMIM 614399.

Allele frequency attached by ClinVar (database versions not stated): gnomAD exomes 0.00001 and 0.00002; gnomAD 0.00004 and 0.00005; TOPMed 0.00005.

Submissions (2):

Ambry Genetics
Classification: Uncertain significance for Inborn genetic diseases. Last evaluated: 2024-10-08. Review status: criteria provided, single submitter. Criteria: Ambry Variant Classification Scheme 2023. Collection method: clinical testing. Allele origin: germline.

Labcorp Genetics (formerly Invitae), Labcorp
Classification: Uncertain significance for MEGF10-related myopathy. Last evaluated: 2022-10-05. Review status: criteria provided, single submitter. Criteria: Invitae Variant Classification Sherloc (09022015). Collection method: clinical testing. Allele origin: germline.
Comment: This sequence change replaces arginine, which is basic and polar, with cysteine, which is neutral and slightly polar, at codon 541 of the MEGF10 protein (p.Arg541Cys). This variant is present in population databases (no rsID available, gnomAD 0.006%). This variant has not been reported in the literature in individuals affected with MEGF10-related conditions. ClinVar contains an entry for this variant (Variation ID: 660296). Advanced modeling of protein sequence and biophysical properties (such as structural, functional, and spatial information, amino acid conservation, physicochemical variation, residue mobility, and thermodynamic stability) performed at Invitae indicates that this missense variant is not expected to disrupt MEGF10 protein function. In summary, the available evidence is currently insufficient to determine the role of this variant in disease. Therefore, it has been classified as a Variant of Uncertain Significance.

NM_001256545.2(MEGF10):c.1621C>T (p.Arg541Cys)

Gene: MEGF10 (multiple EGF like domains 10; plus strand). Cytogenetic location: 5q23.2.
Variant type: single nucleotide variant.
Coding change: c.1621C>T on transcript NM_001256545.2 (MANE Select); coding-DNA position 1621, C replaced by T.
Protein change: p.Arg541Cys; replaces arginine 541 with cysteine.
Molecular consequence: missense variant.
Genome position (GRCh38, 1-based): chr5:127,422,700, C>T. VCF-style: chr5-127422700-C-T. GRCh37 (hg19) VCF-style: chr5-126758392-C-T.
Other names: c.1621C>T (NM_032446.2); c.1621C>T, p.Arg541Cys (NM_001308119.2, NM_001308121.2, NM_032446.3); short protein forms R541C.
Identifiers: ClinVar variation 660296 (VCV000660296.7), dbSNP rs866094740, ClinGen allele CA126951129.